The following is an entry in ClinVar:

ClinVar aggregate classification (germline): Pathogenic/Likely pathogenic. Review status: criteria provided, multiple submitters, no conflicts (2 of 4 stars). 2 submissions from 2 submitters: Pathogenic (1); Likely pathogenic (1). Last evaluated 2026-04-07.

Conditions:
Osteogenesis imperfecta type I (OI1). Also called: Classic Non-deforming Osteogenesis Imperfecta with Blue Sclerae; OI, TYPE I; OSTEOGENESIS IMPERFECTA TARDA; OSTEOGENESIS IMPERFECTA WITH BLUE SCLERAE; Osteogenesis imperfecta type 1; Lobstein's Disease. Identifiers: Orphanet 216796, Orphanet 666, MedGen C0023931, MONDO:0008146, OMIM 166200. Disease mechanism: loss of function.
Osteogenesis imperfecta (OI). Identifiers: Orphanet 666, MedGen C0029434, MeSH D010013, MONDO:0019019.

Submissions (2):

Clinical Genetics and Genomics, Karolinska University Hospital
Classification: Likely pathogenic for Osteogenesis imperfecta type I. Last evaluated: 2026-04-07. Review status: criteria provided, single submitter. Criteria: ACMG Guidelines, 2015. Collection method: clinical testing. Allele origin: unknown. Affected: yes.
Comment: This sequence change affects a splice site of the COL1A1 gene. It is expected to disrupt RNA splicing. Variants that disrupt the donor or acceptor splice site typically lead to a loss of protein function (PMID: 16199547), and loss-of-function variants in COL1A1 are known to be pathogenic (PMID: 7942841, 9295084, 9443882). This variant is not present in population databases (gnomAD no frequency). Disruption of this splice site has been observed in individuals with osteogenesis imperfecta, type 1 (PMID: 16879195, 21520333). This variant is also known as IVS39+1G>A. ClinVar contains an entry for this variant (Variation ID: 650669).

Genetics Department, Polish Mother's Memorial Hospital Research Institute
Classification: Pathogenic for Osteogenesis imperfecta. Last evaluated: 2019-07-11. Review status: criteria provided, single submitter. Criteria: ACMG Guidelines, 2015. Collection method: research. Allele origin: de novo. Affected: yes. Observed: 1 variant allele.

NM_000088.4(COL1A1):c.2667+1G>C

Gene: COL1A1 (collagen type I alpha 1 chain; minus strand). Cytogenetic location: 17q21.33.
Variant type: single nucleotide variant.
Coding change: c.2667+1G>C on transcript NM_000088.4 (MANE Select); the canonical splice donor site of the intron after coding-DNA position 2667, G replaced by C.
Molecular consequence: splice donor variant.
Genome position (GRCh38, 1-based): chr17:50,189,678, C>G on the plus strand (G>C on the coding strand, the complement: COL1A1 is on the minus strand). VCF-style: chr17-50189678-C-G. GRCh37 (hg19) VCF-style: chr17-48267039-C-G.
Identifiers: ClinVar variation 691318 (VCV000691318.4), dbSNP rs72653150, ClinGen allele CA400206951.